The following is an entry in ClinVar:

ClinVar aggregate classification (germline): Uncertain significance. Review status: criteria provided, multiple submitters, no conflicts (2 of 4 stars). 2 submissions from 2 submitters: Uncertain significance (2). Last evaluated 2025-09-10.

Conditions:
Hereditary cancer-predisposing syndrome. Also called: Hereditary Cancer Syndrome; Neoplastic Syndromes, Hereditary; Tumor predisposition; Hereditary neoplastic syndrome. Identifiers: Orphanet 140162, MedGen C0027672, MeSH D009386, MONDO:0015356.
Hereditary nonpolyposis colorectal neoplasms. Identifiers: MedGen C0009405, MeSH D003123.

Submissions (2):

Labcorp Genetics (formerly Invitae), Labcorp
Classification: Uncertain significance for Hereditary nonpolyposis colorectal neoplasms. Last evaluated: 2025-09-10. Review status: criteria provided, single submitter. Criteria: Invitae Variant Classification Sherloc (09022015). Collection method: clinical testing. Allele origin: germline.
Comment: This sequence change replaces histidine, which is basic and polar, with asparagine, which is neutral and polar, at codon 1351 of the MSH6 protein (p.His1351Asn). This variant is not present in population databases (gnomAD no frequency). This variant has not been reported in the literature in individuals affected with MSH6-related conditions. ClinVar contains an entry for this variant (Variation ID: 1025131). Invitae Evidence Modeling of protein sequence and biophysical properties (such as structural, functional, and spatial information, amino acid conservation, physicochemical variation, residue mobility, and thermodynamic stability) indicates that this missense variant is not expected to disrupt MSH6 protein function with a negative predictive value of 95%. In summary, the available evidence is currently insufficient to determine the role of this variant in disease. Therefore, it has been classified as a Variant of Uncertain Significance.

Ambry Genetics
Classification: Uncertain significance for Hereditary cancer-predisposing syndrome. Last evaluated: 2024-11-15. Review status: criteria provided, single submitter. Criteria: Ambry Variant Classification Scheme 2023. Collection method: clinical testing. Allele origin: germline.
Comment: The p.H1351N variant (also known as c.4051C>A), located in coding exon 10 of the MSH6 gene, results from a C to A substitution at nucleotide position 4051. The histidine at codon 1351 is replaced by asparagine, an amino acid with similar properties. This amino acid position is not well conserved in available vertebrate species. In addition, the in silico prediction for this alteration is inconclusive. Based on the available evidence, the clinical significance of this variant remains unclear.

NM_000179.3(MSH6):c.4051C>A (p.His1351Asn)

Gene: MSH6 (mutS homolog 6; plus strand). Cytogenetic location: 2p16.3.
Variant type: single nucleotide variant.
Coding change: c.4051C>A on transcript NM_000179.3 (MANE Select); coding-DNA position 4051, C replaced by A.
Protein change: p.His1351Asn; replaces histidine 1351 with asparagine.
Molecular consequence: missense variant.
Genome position (GRCh38, 1-based): chr2:47,806,828, C>A. VCF-style: chr2-47806828-C-A. GRCh37 (hg19) VCF-style: chr2-48033967-C-A.
Other names: c.3661C>A, p.His1221Asn (NM_001281492.2); c.3145C>A, p.His1049Asn (NM_001281493.2, NM_001281494.2); c.4051C>A (NM_000179.2); short protein forms H1049N, H1221N, H1351N.
Identifiers: ClinVar variation 1025131 (VCV001025131.10), dbSNP rs1558395737, ClinGen allele CA346761715.